The following is an entry in ClinVar:

NM_003060.4(SLC22A5):c.470C>T (p.Ser157Phe)

Gene: SLC22A5 (solute carrier family 22 member 5; plus strand). Cytogenetic location: 5q31.1.
Variant type: single nucleotide variant.
Coding change: c.470C>T on transcript NM_003060.4 (MANE Select); coding-DNA position 470, C replaced by T.
Protein change: p.Ser157Phe; replaces serine 157 with phenylalanine.
Molecular consequence: missense variant.
Genome position (GRCh38, 1-based): chr5:132,378,454, C>T. VCF-style: chr5-132378454-C-T. GRCh37 (hg19) VCF-style: chr5-131714146-C-T.
Other names: p.Ser157Phe; c.542C>T, p.Ser181Phe (NM_001308122.2); short protein forms S157F, S181F.
Identifiers: ClinVar variation 947886 (VCV000947886.16), dbSNP rs759925126, ClinGen allele CA3403896.

ClinVar aggregate classification (germline): Conflicting classifications of pathogenicity. Review status: criteria provided, conflicting classifications (1 of 4 stars). 3 submissions from 3 submitters: Pathogenic (1); Likely pathogenic (1); Uncertain significance (1). Last evaluated 2025-10-03.

Conditions:
Renal carnitine transport defect (CDSP). Also called: CARNITINE DEFICIENCY, SYSTEMIC, DUE TO DEFECT IN RENAL REABSORPTION OF CARNITINE; CARNITINE TRANSPORTER, PLASMA-MEMBRANE, DEFICIENCY OF; CARNITINE UPTAKE DEFECT; Carnitine transporter deficiency; Carnitine Deficiency, Systemic; Systemic primary carnitine deficiency. Identifiers: Orphanet 158, MedGen C0342788, MONDO:0008919, OMIM 212140.
Carnitine deficiency. Identifiers: MedGen C1142132.

Allele frequency attached by ClinVar (database versions not stated): ExAC 0.00001; gnomAD exomes below 0.00001.
gnomAD v4.1: 1 of 1,614,128 alleles (0.000062%); highest among the groups gnomAD compares: Non-Finnish European, 0.000085%; no homozygotes.

Submissions (3):

Natera, Inc.
Classification: Likely pathogenic for Carnitine deficiency. Last evaluated: 2025-10-03. Review status: criteria provided, single submitter. Criteria: Natera Variant Classification Schema (03/2026). Collection method: clinical testing. Allele origin: germline.
Comment: The c.470C>T variant in SLC22A5 is a missense variant predicted to cause substitution of serine to phenylalanine at amino acid 157. This variant is rare in the general population with a frequency below the threshold expected for the associated phenotype(s). This variant has been observed in one or more individuals affected with the associated recessive disease, as either homozygous or compound heterozygous with a second variant (PMID: 35095998). This variant has been identified in one or more affected individual with a phenotype highly consistent with the associated gene (PMID: 35095998). Computational prediction algorithms indicate this variant is likely to affect gene or protein function. Given the available evidence, this variant is classified as Likely Pathogenic.

Labcorp Genetics (formerly Invitae), Labcorp
Classification: Pathogenic for Renal carnitine transport defect. Last evaluated: 2025-08-10. Review status: criteria provided, single submitter. Criteria: Invitae Variant Classification Sherloc (09022015). Collection method: clinical testing. Allele origin: germline.
Comment: This sequence change replaces serine, which is neutral and polar, with phenylalanine, which is neutral and non-polar, at codon 157 of the SLC22A5 protein (p.Ser157Phe). This variant is present in population databases (rs759925126, gnomAD 0.0009%). This missense change has been observed in individual(s) with clinical features of SLC22A5-related conditions (PMID: 35095998; internal data). In at least one individual the data is consistent with being in trans (on the opposite chromosome) from a pathogenic variant. ClinVar contains an entry for this variant (Variation ID: 947886). Invitae Evidence Modeling of protein sequence and biophysical properties (such as structural, functional, and spatial information, amino acid conservation, physicochemical variation, residue mobility, and thermodynamic stability) indicates that this missense variant is expected to disrupt SLC22A5 protein function with a positive predictive value of 95%. For these reasons, this variant has been classified as Pathogenic.

Mayo Clinic Laboratories, Mayo Clinic
Classification: Uncertain significance. Last evaluated: 2023-09-12. Review status: criteria provided, single submitter. Criteria: ACMG Guidelines, 2015. Collection method: clinical testing. Allele origin: germline. Observed: 1 variant allele.
Comment: PP3, PM2, PM3_supporting

Literature cited by the submitters: PubMed 35095998 (cited by 3 submitters).